The following is an entry in ClinVar:

ClinVar aggregate classification (germline): Uncertain significance (1 of 4 stars; one submission).

Submission:

GeneDx
Classification: Uncertain significance. Last evaluated: 2025-05-07. Review status: criteria provided, single submitter. Criteria: GeneDx Variant Classification Process June 2021. Collection method: clinical testing. Allele origin: germline. Affected: yes.
Comment: Not observed at significant frequency in large population cohorts (gnomAD); In silico analysis supports that this missense variant has a deleterious effect on protein structure/function; Has not been previously published as pathogenic or benign to our knowledge

NM_006567.5(FARS2):c.1227G>T (p.Lys409Asn)

Gene: FARS2 (phenylalanyl-tRNA synthetase 2, mitochondrial; plus strand). Cytogenetic location: 6p25.1.
Variant type: single nucleotide variant.
Coding change: c.1227G>T on transcript NM_006567.5 (MANE Select); coding-DNA position 1227, G replaced by T.
Protein change: p.Lys409Asn; replaces lysine 409 with asparagine.
Molecular consequence: missense variant.
Genome position (GRCh38, 1-based): chr6:5,771,300, G>T. VCF-style: chr6-5771300-G-T. GRCh37 (hg19) VCF-style: chr6-5771533-G-T.
Other names: c.1227G>T, p.Lys409Asn (NM_001318872.2, NM_001374875.1, NM_001374876.1 and 4 more transcripts); c.1095G>T, p.Lys365Asn (NM_001375258.1); c.531G>T, p.Lys177Asn (NM_001375259.1, NM_001375260.1); short protein forms K177N, K365N, K409N.
Identifiers: ClinVar variation 4528299 (VCV004528299.1).